The following is an entry in ClinVar:

NM_006494.4(ERF):c.1201A>G (p.Lys401Glu)

Gene: ERF (ETS2 repressor factor; minus strand). Cytogenetic location: 19q13.2.
Variant type: single nucleotide variant.
Coding change: c.1201A>G on transcript NM_006494.4 (MANE Select); coding-DNA position 1201, A replaced by G.
Protein change: p.Lys401Glu; replaces lysine 401 with glutamic acid.
Molecular consequence: missense variant.
Genome position (GRCh38, 1-based): chr19:42,248,911, T>C on the plus strand (A>G on the coding strand, the complement: ERF is on the minus strand). VCF-style: chr19-42248911-T-C. GRCh37 (hg19) VCF-style: chr19-42753063-T-C.
Other names: c.976A>G, p.Lys326Glu (NM_001301035.2, NM_001308402.2, NM_001312656.2); c.1201A>G (NM_006494.2); short protein forms K401E, K326E.
Identifiers: ClinVar variation 941315 (VCV000941315.10), dbSNP rs753010203, ClinGen allele CA9471230.
Genomic context (GRCh38, chr19:42,248,911, plus strand): 5'-GGGGCGGTGGGGCTAGCGCCCCTGCCCCCTCAGCCAGCCCGCCTGCACTGCCACCGCTCT[T>C]GTCAGCACCGGCTACGGCCTTCTCCCCAGCTGCCCGCTGCCGGCGTCCGAGTGGGGGCGG-3'
Protein context (NP_006485.2, residues 391-411): AGEKAVAGAD[Lys401Glu]SGGSAGGLAE

ClinVar aggregate classification (germline): Uncertain significance. Review status: criteria provided, multiple submitters, no conflicts (2 of 4 stars). 2 submissions from 2 submitters: Uncertain significance (2). Last evaluated 2025-04-28.

Conditions:
Inborn genetic diseases. Identifiers: MedGen C0950123, MeSH D030342.
TWIST1-related craniosynostosis (CRS1). Also called: CRANIOSYNOSTOSIS 1. Identifiers: Orphanet 63440, MedGen C4551902, MONDO:0007399, OMIM 123100. Inheritance: Heterogenous inheritance pattern.

Allele frequency attached by ClinVar (database versions not stated): gnomAD exomes below 0.00001; ExAC 0.00001; gnomAD 0.00002; TOPMed 0.00003.

Submissions (2):

Labcorp Genetics (formerly Invitae), Labcorp
Classification: Uncertain significance for TWIST1-related craniosynostosis. Last evaluated: 2025-04-28. Review status: criteria provided, single submitter. Criteria: Invitae Variant Classification Sherloc (09022015). Collection method: clinical testing. Allele origin: germline.
Comment: This sequence change replaces lysine, which is basic and polar, with glutamic acid, which is acidic and polar, at codon 401 of the ERF protein (p.Lys401Glu). This variant is present in population databases (rs753010203, gnomAD 0.001%). This variant has not been reported in the literature in individuals affected with ERF-related conditions. ClinVar contains an entry for this variant (Variation ID: 941315). Invitae Evidence Modeling of protein sequence and biophysical properties (such as structural, functional, and spatial information, amino acid conservation, physicochemical variation, residue mobility, and thermodynamic stability) indicates that this missense variant is not expected to disrupt ERF protein function with a negative predictive value of 95%. In summary, the available evidence is currently insufficient to determine the role of this variant in disease. Therefore, it has been classified as a Variant of Uncertain Significance.

Ambry Genetics
Classification: Uncertain significance for Inborn genetic diseases. Last evaluated: 2025-02-27. Review status: criteria provided, single submitter. Criteria: Ambry Variant Classification Scheme 2023. Collection method: clinical testing. Allele origin: germline.